The following is an entry in ClinVar:

NM_002439.5(MSH3):c.2136A>G (p.Ile712Met)

Gene: MSH3 (mutS homolog 3; plus strand). Cytogenetic location: 5q14.1.
Variant type: single nucleotide variant.
Coding change: c.2136A>G on transcript NM_002439.5 (MANE Select); coding-DNA position 2136, A replaced by G.
Protein change: p.Ile712Met; replaces isoleucine 712 with methionine.
Molecular consequence: missense variant.
Genome position (GRCh38, 1-based): chr5:80,768,886, A>G. VCF-style: chr5-80768886-A-G. GRCh37 (hg19) VCF-style: chr5-80064705-A-G.
Other names: c.2136A>G (NM_002439.3); short protein forms I712M.
Identifiers: ClinVar variation 2744232 (VCV002744232.4), dbSNP rs2546774238, ClinGen allele CA360279351.

ClinVar aggregate classification (germline): Uncertain significance. Review status: criteria provided, multiple submitters, no conflicts (2 of 4 stars). 2 submissions from 2 submitters: Uncertain significance (2). Last evaluated 2025-10-16.

Conditions:
Hereditary cancer-predisposing syndrome. Also called: Hereditary Cancer Syndrome; Neoplastic Syndromes, Hereditary; Tumor predisposition; Hereditary neoplastic syndrome. Identifiers: Orphanet 140162, MedGen C0027672, MeSH D009386, MONDO:0015356.

Submissions (2):

Labcorp Genetics (formerly Invitae), Labcorp
Classification: Uncertain significance. Last evaluated: 2025-10-16. Review status: criteria provided, single submitter. Criteria: Invitae Variant Classification Sherloc (09022015). Collection method: clinical testing. Allele origin: germline.
Comment: This sequence change replaces isoleucine, which is neutral and non-polar, with methionine, which is neutral and non-polar, at codon 712 of the MSH3 protein (p.Ile712Met). This variant is not present in population databases (gnomAD no frequency). This variant has not been reported in the literature in individuals affected with MSH3-related conditions. ClinVar contains an entry for this variant (Variation ID: 2744232). An algorithm developed to predict the effect of missense changes on protein structure and function (PolyPhen-2) suggests that this variant is likely to be disruptive. In summary, the available evidence is currently insufficient to determine the role of this variant in disease. Therefore, it has been classified as a Variant of Uncertain Significance.

Ambry Genetics
Classification: Uncertain significance for Hereditary cancer-predisposing syndrome. Last evaluated: 2024-08-05. Review status: criteria provided, single submitter. Criteria: Ambry Variant Classification Scheme 2023. Collection method: clinical testing. Allele origin: germline.
Comment: The p.I712M variant (also known as c.2136A>G), located in coding exon 15 of the MSH3 gene, results from an A to G substitution at nucleotide position 2136. The isoleucine at codon 712 is replaced by methionine, an amino acid with highly similar properties. This amino acid position is conserved. In addition, the in silico prediction for this alteration is inconclusive. Based on the available evidence, the clinical significance of this variant remains unclear.